The following is an entry in ClinVar:

NM_001267550.2(TTN):c.72167G>A (p.Arg24056His)

Genes: TTN (titin; minus strand), TTN-AS1 (TTN antisense RNA 1; plus strand). Cytogenetic location: 2q31.2.
Variant type: single nucleotide variant.
Coding change: c.72167G>A on transcript NM_001267550.2 (MANE Select); coding-DNA position 72167, G replaced by A.
Protein change: p.Arg24056His; replaces arginine 24056 with histidine.
Molecular consequence: missense variant.
Genome position (GRCh38, 1-based): chr2:178,573,965, C>T on the plus strand (G>A on the coding strand, the complement: TTN is on the minus strand). VCF-style: chr2-178573965-C-T. GRCh37 (hg19) VCF-style: chr2-179438692-C-T.
Other names: c.67244G>A, p.Arg22415His (NM_001256850.1); c.44972G>A, p.Arg14991His (NM_003319.4); c.45347G>A, p.Arg15116His (NM_133432.3); c.45548G>A, p.Arg15183His (NM_133437.4); c.64463G>A, p.Arg21488His (NM_133378.4); short protein forms R24056H, R15116H, R22415H, R15183H, R14991H.
Identifiers: ClinVar variation 96302 (VCV000096302.26), dbSNP rs398124455, ClinGen allele CA223965.

ClinVar aggregate classification (germline): Conflicting classifications of pathogenicity. Review status: criteria provided, conflicting classifications (1 of 4 stars). 7 submissions from 7 submitters: Uncertain significance (2); Likely benign (3). 2 of the submissions do not count toward it. Last evaluated 2025-11-23.

Conditions:
TTN-related disorder. Also called: TTN-related disorders; TTN-related condition; TTN-related disease.
Dilated cardiomyopathy 1G (CMD1G). Identifiers: Orphanet 154, MedGen C1858763, MONDO:0011400, OMIM 604145.
Autosomal recessive limb-girdle muscular dystrophy type 2J (LGMDR10). Also called: Limb-girdle muscular dystrophy, type 2J; MUSCULAR DYSTROPHY, LIMB-GIRDLE, AUTOSOMAL RECESSIVE 10. Identifiers: Orphanet 140922, MedGen C1837342, MONDO:0012127, OMIM 608807.

Allele frequency attached by ClinVar (database versions not stated): gnomAD 0.00001 and 0.00005; TOPMed 0.00003; ExAC 0.00026.

Submissions (7):

Labcorp Genetics (formerly Invitae), Labcorp
Classification: Likely benign for Dilated cardiomyopathy 1G; Autosomal recessive limb-girdle muscular dystrophy type 2J. Last evaluated: 2025-11-23. Review status: criteria provided, single submitter. Criteria: Invitae Variant Classification Sherloc (09022015). Collection method: clinical testing. Allele origin: germline.

PreventionGenetics, part of Exact Sciences
Classification: Likely benign for TTN-related condition. Last evaluated: 2025-11-03. Review status: criteria provided, single submitter. Criteria: ACMG Guidelines, 2015. Collection method: clinical testing. Allele origin: germline.
Comment: This variant is classified as likely benign based on ACMG/AMP sequence variant interpretation guidelines (Richards et al. 2015 PMID: 25741868, with internal and published modifications).

Revvity Omics, Revvity
Classification: Uncertain significance. Last evaluated: 2021-09-11. Review status: criteria provided, single submitter. Criteria: ACMG Guidelines, 2015. Collection method: clinical testing. Allele origin: germline.

GeneDx
Classification: Likely benign. Last evaluated: 2020-03-25. Review status: criteria provided, single submitter. Criteria: GeneDx Variant Classification Process June 2021. Collection method: clinical testing. Allele origin: germline. Affected: yes.

Eurofins Ntd Llc (ga)
Classification: Uncertain significance. Last evaluated: 2013-09-04. Review status: criteria provided, single submitter. Criteria: EGL Classification Definitions 2015. Collection method: clinical testing. Allele origin: germline. Observed: 3 variant alleles, 3 heterozygotes.

Clinical Genetics, Academic Medical Center
Classification: Benign. Review status: no assertion criteria provided. Collection method: clinical testing. Allele origin: germline. Affected: yes. Study: VKGL Data-share Consensus. Not counted in ClinVar's aggregate classification.

Diagnostic Laboratory, Department of Genetics, University Medical Center Groningen
Classification: Likely benign. Review status: no assertion criteria provided. Collection method: clinical testing. Allele origin: germline. Affected: yes. Study: VKGL Data-share Consensus. Not counted in ClinVar's aggregate classification.